The following is an entry in ClinVar:

ClinVar aggregate classification (germline): Uncertain significance. Review status: criteria provided, single submitter (1 of 4 stars). 2 submissions from 2 submitters: Uncertain significance (1). 1 of the submissions does not count toward it. Last evaluated 2020-03-12.

Conditions:
Bloom syndrome (BLM). Also called: Bloom-Torre-Machacek syndrome. Identifiers: Orphanet 125, MedGen C0005859, MONDO:0008876, OMIM 210900.

Submissions (2):

Labcorp Genetics (formerly Invitae), Labcorp
Classification: Uncertain significance for Bloom syndrome. Last evaluated: 2020-03-12. Review status: criteria provided, single submitter. Criteria: Invitae Variant Classification Sherloc (09022015). Collection method: clinical testing. Allele origin: germline.
Comment: In summary, the available evidence is currently insufficient to determine the role of this variant in disease. Therefore, it has been classified as a Variant of Uncertain Significance. Algorithms developed to predict the effect of missense changes on protein structure and function (SIFT, PolyPhen-2, Align-GVGD) all suggest that this variant is likely to be tolerated, but these predictions have not been confirmed by published functional studies and their clinical significance is uncertain. This variant has not been reported in the literature in individuals with BLM-related conditions. This variant is not present in population databases (ExAC no frequency). This sequence change replaces glutamic acid with valine at codon 332 of the BLM protein (p.Glu332Val). The glutamic acid residue is weakly conserved and there is a moderate physicochemical difference between glutamic acid and valine.

Natera, Inc.
Classification: Uncertain significance for Bloom syndrome. Last evaluated: 2020-12-31. Review status: no assertion criteria provided. Collection method: clinical testing. Allele origin: germline. Not counted in ClinVar's aggregate classification.

NM_000057.4(BLM):c.995A>T (p.Glu332Val)

Gene: BLM (BLM RecQ like helicase; plus strand). Cytogenetic location: 15q26.1.
Variant type: single nucleotide variant.
Coding change: c.995A>T on transcript NM_000057.4 (MANE Select); coding-DNA position 995, A replaced by T.
Protein change: p.Glu332Val; replaces glutamic acid 332 with valine.
Molecular consequence: missense variant. On other transcripts: 5 prime UTR variant (1).
Genome position (GRCh38, 1-based): chr15:90,754,846, A>T. VCF-style: chr15-90754846-A-T. GRCh37 (hg19) VCF-style: chr15-91298076-A-T.
Other names: c.995A>T, p.Glu332Val (NM_001287246.2, NM_001287247.2); c.-297A>T (NM_001287248.2); short protein forms E332V.
Identifiers: ClinVar variation 1057544 (VCV001057544.13), dbSNP rs2151152146, ClinGen allele CA393842058.